The following is an entry in ClinVar:

ClinVar aggregate classification (germline): Pathogenic. Review status: criteria provided, multiple submitters, no conflicts (2 of 4 stars). 29 submissions from 28 submitters: Pathogenic (22). 7 of the submissions do not count toward it. Last evaluated 2026-06-25.

Conditions:
AGXT-related disorder. Also called: AGXT-related condition.
Alanine glyoxylate aminotransferase deficiency. Identifiers: MedGen CN305373, MONDO:0100278.
Primary hyperoxaluria. Identifiers: Orphanet 416, MedGen C0020501, MONDO:0002474.
Nephrotic syndrome. Identifiers: MedGen C0027726, MONDO:0005377, HP:0000100.
Inborn genetic diseases. Identifiers: MedGen C0950123, MeSH D030342.
Primary hyperoxaluria, type I (HP1). Also called: OXALOSIS I; Primary hyperoxaluria type 1; GLYCOLIC ACIDURIA; HEPATIC AGT DEFICIENCY. Identifiers: Orphanet 416, Orphanet 93598, MedGen C0268164, MONDO:0009823, OMIM 259900. Disease mechanism: loss of function.

Submissions 1 to 12 of 29:

Victorian Clinical Genetics Services, Murdoch Childrens Research Institute
Classification: Pathogenic for Primary hyperoxaluria, type I. Last evaluated: 2026-06-25. Review status: criteria provided, single submitter. Criteria: ACMG Guidelines, 2015. Collection method: clinical testing. Allele origin: germline. Affected: yes.
Comment: This variant is classified as Pathogenic. Evidence in support of pathogenic classification: Variant is predicted to cause nonsense-mediated decay (NMD) and loss of protein (premature termination codon is located at least 54 nucleotides upstream of the final exon-exon junction); Variant is present in gnomAD <0.01 for a recessive condition (v4: 246 heterozygote(s), 0 homozygote(s)); This variant has strong previous evidence of pathogenicity in unrelated individuals. This variant accounts for approximately 30% of disease-causing alleles and is consistently classified as pathogenic by diagnostic laboratories in ClinVar (PMID: 20301460); Other NMD-predicted variants comparable to the one identified in this case have very strong previous evidence for pathogenicity (DECIPHER, ClinVar). Additional information: This variant is heterozygous; This gene is associated with autosomal recessive disease; Loss of function is a known mechanism of disease in this gene and is associated with primary hyperoxaluria type 1 (MIM#259900); Variants in this gene are known to have variable expressivity (PMID: 20301460); Heterozygous variant detected in trans with a second PATHOGENIC heterozygous variant (NM_000030.3(AGXT):c.508G>A; p.(Gly170Arg)) in a recessive disease.

PreventionGenetics, part of Exact Sciences
Classification: Pathogenic for AGXT-related condition. Last evaluated: 2026-04-17. Review status: criteria provided, single submitter. Criteria: ACMG Guidelines, 2015. Collection method: clinical testing. Allele origin: germline.
Comment: The AGXT c.33dupC variant is predicted to result in a frameshift and premature protein termination (p.Lys12Glnfs*156). This variant, also described as c.33_34insC and c.33insC in the literature, has been reported in both the homozygous state and with an additional variant in several individuals with primary hyperoxaluria, and has been described as one of the most common causative variants (see for examples: Coulter-Mackie et al. 2004. PubMed ID: 15110324; Williams and Rumsby. 2007. PubMed ID: 17495019; Williams et al. 2009. PubMed ID: 19479957; Mayordomo-Colunga et al. 2011. PubMed ID: 20549407; Mann et al. 2019. PubMed ID: 30655312). In vitro studies demonstrate that expression of this variant results in a significant or complete loss of enzyme activity and protein expression (Rumsby et al. 2004. PubMed ID: 15327387; Du et al. 2018. PubMed ID: 30341509). This variant is reported in 0.026% of alleles in individuals of East Asian descent in gnomAD, and is consistently classified as pathogenic by several submitters to the ClinVar database (Variation ID: 140583). Frameshift variants in AGXT are expected to be pathogenic. This variant is interpreted as pathogenic.

Labcorp Genetics (formerly Invitae), Labcorp
Classification: Pathogenic. Last evaluated: 2026-01-13. Review status: criteria provided, single submitter. Criteria: Invitae Variant Classification Sherloc (09022015). Collection method: clinical testing. Allele origin: germline.
Comment: This sequence change creates a premature translational stop signal (p.Lys12Glnfs*156) in the AGXT gene. It is expected to result in an absent or disrupted protein product. Loss-of-function variants in AGXT are known to be pathogenic (PMID: 19479957). The frequency data for this variant in the population databases is considered unreliable, as metrics indicate poor data quality at this position in the gnomAD database. This premature translational stop signal has been observed in individuals with primary hyperoxaluria (PMID: 15327387, 19479957, 25629080, 27135212). This variant is also known as 33_34insC. ClinVar contains an entry for this variant (Variation ID: 140583). Algorithms developed to predict the effect of sequence changes on RNA splicing suggest that this variant may create or strengthen a splice site. For these reasons, this variant has been classified as Pathogenic.

Rare Kidney Stone Consortium and the Mayo Clinic Hyperoxaluria Center, Mayo Clinic
Classification: Pathogenic for Primary hyperoxaluria, type I. Last evaluated: 2025-10-03. Review status: criteria provided, single submitter. Criteria: ACMG Guidelines, 2015. Collection method: research. Allele origin: germline. Affected: yes. Observed: 6 variant alleles.
Comment: ACMG:PM3, PS3, PVS1, PP5

Clinical Genetics Laboratory, Skane University Hospital Lund
Classification: Pathogenic for Primary hyperoxaluria. Last evaluated: 2025-09-02. Review status: criteria provided, single submitter. Criteria: ACMG Guidelines, 2015. Collection method: clinical testing. Allele origin: germline. Inheritance: Autosomal recessive inheritance. Affected: yes.
Comment: ACMG criteria applied: PVS1, PM2, PM3_strong, PP1, PP4_strong

3billion
Classification: Pathogenic for Primary hyperoxaluria, type I. Last evaluated: 2025-08-13. Review status: criteria provided, single submitter. Criteria: ACMG Guidelines, 2015. Collection method: clinical testing. Allele origin: germline. Affected: yes.
Comment: The variant is observed at an extremely low frequency in the gnomAD v4.1.0 dataset (total allele frequency: 0.015%). Predicted Consequence/Location: Frameshift: predicted to result in a loss or disruption of normal protein function through nonsense-mediated decay (NMD) or protein truncation. Multiple pathogenic variants are reported downstream of the variant. The variant has been reported at least twice as pathogenic with clinical assertions and evidence for the classification (ClinVar ID: VCV000140583 /PMID: None /3billion dataset). Therefore, this variant is classified as Pathogenic according to the recommendation of ACMG/AMP guideline.

Ambry Genetics
Classification: Pathogenic for Inborn genetic diseases. Last evaluated: 2025-07-11. Review status: criteria provided, single submitter. Criteria: Ambry Variant Classification Scheme 2023. Collection method: clinical testing. Allele origin: germline.
Comment: The c.33dupC (p.K12Qfs*156) alteration, located in exon 1 (coding exon 1) of the AGXT gene, consists of a duplication of C at position 33, causing a translational frameshift with a predicted alternate stop codon after 156 amino acids. This alteration is expected to result in loss of function by premature protein truncation or nonsense-mediated mRNA decay. Based on data from gnomAD, the CC allele has an overall frequency of 0.016% (43/270822) total alleles studied. The highest observed frequency was 0.026% (5/19266) of East Asian alleles. This variant has been identified in the homozygous state and/or in conjunction with other AGXT variants in individuals with features consistent with primary hyperoxaluria type 1 (Rumsby, 2004; Williams, 2015; Mbarek, 2017). Based on the available evidence, this alteration is classified as pathogenic.

Natera, Inc.
Classification: Pathogenic for Primary hyperoxaluria type I. Last evaluated: 2025-06-27. Review status: criteria provided, single submitter. Criteria: Natera Variant Classification Schema (03/2026). Collection method: clinical testing. Allele origin: germline.
Comment: The c.33dupC variant in AGXT is a frameshift variant predicted to shift the reading frame beginning at codon 12 and leads to a stop codon 156 codons downstream. This variant is expected to result in nonsense mediated decay, truncation, or a dysfunctional protein product. This variant is rare in the general population with a frequency below the threshold expected for the associated phenotype(s). This variant has been observed in one or more individuals affected with the associated recessive disease, as either homozygous or compound heterozygous with a second variant (PMID: 35149915). Given the available evidence, this variant is classified as Pathogenic.

Genomic Medicine Center of Excellence, King Faisal Specialist Hospital and Research Centre
Classification: Pathogenic for Primary hyperoxaluria, type I. Last evaluated: 2024-12-18. Review status: criteria provided, single submitter. Criteria: ACMG Guidelines, 2015. Collection method: clinical testing. Allele origin: germline.

Blueprint Genetics
Classification: Pathogenic for AGXT-related disorders. Last evaluated: 2024-11-11. Review status: criteria provided, single submitter. Criteria: ACMG Guidelines, 2015. Collection method: clinical testing. Allele origin: germline. Affected: yes. Observed: 5 variant alleles.

Fulgent Genetics
Classification: Pathogenic for Primary hyperoxaluria, type I. Last evaluated: 2024-03-11. Review status: criteria provided, single submitter. Criteria: ACMG Guidelines, 2015. Collection method: clinical testing. Allele origin: germline.

Neuberg Centre For Genomic Medicine, NCGM
Classification: Pathogenic for Primary hyperoxaluria, type I. Last evaluated: 2024-02-01. Review status: criteria provided, single submitter. Criteria: ACMG Guidelines, 2015. Collection method: clinical testing. Allele origin: germline. Inheritance: Autosomal recessive inheritance.
Comment: The frameshift c.33dup (p.Lys12GlnfsTer156) variant in AGXT gene has been previously reported in multiple individuals affected with Primary Hyperoxaluria (Rumsby et al., 2004; Mbarek et al. 2017). This variant is also known as 33_34insC. This variant has been observed to segregate with disease in related individuals. Functional analysis shows that this variant results in <10% of normal activity, furhter affecting AGXT function (Rumsby et al. 2004). In absence of another reportable variant in AGXT gene, the molecular diagnosis is not confirmed.

NM_000030.3(AGXT):c.33dup (p.Lys12fs)

Gene: AGXT (alanine--glyoxylate aminotransferase; plus strand). Cytogenetic location: 2q37.3.
Variant type: Duplication.
Coding change: c.33dup on transcript NM_000030.3 (MANE Select); coding-DNA position 33, one base duplicated (C; older notation c.33dupC).
Protein change: p.Lys12fs; shifts the reading frame from lysine 12.
Molecular consequence: frameshift variant.
Genome position (GRCh38, 1-based): chr2:240,868,898, C duplicated; the last of 8 consecutive C bases (chr2:240,868,891-240,868,898); duplicating any one gives the same sequence. VCF-style (leftmost placement, unchanged base first): chr2-240868890-A-AC. GRCh37 (hg19) VCF-style: chr2-241808307-A-AC.
Other names: 33_34insC; NP_000021.1:p.Lys12fs; NM_000030.2:c.33_34insC; c.33dupC (NM_000030.3); c.33dup (NM_000030.2); short protein forms K12fs.
Identifiers: ClinVar variation 140583 (VCV000140583.52), dbSNP rs180177201, ClinGen allele CA345700.